The following is an entry in ClinVar:

NM_000075.4(CDK4):c.219-10C>G

Gene: CDK4 (cyclin dependent kinase 4; minus strand). Cytogenetic location: 12q14.1.
Variant type: single nucleotide variant.
Coding change: c.219-10C>G on transcript NM_000075.4 (MANE Select); 10 bases into the intron before coding-DNA position 219, C replaced by G.
Molecular consequence: intron variant.
Genome position (GRCh38, 1-based): chr12:57,751,352, G>C on the plus strand (C>G on the coding strand, the complement: CDK4 is on the minus strand). VCF-style: chr12-57751352-G-C. GRCh37 (hg19) VCF-style: chr12-58145135-G-C.
Identifiers: ClinVar variation 2698472 (VCV002698472.3), dbSNP rs759302811, ClinGen allele CA2619495838.
Genomic context (GRCh38, chr12:57,751,352, plus strand): 5'-GTTACCTTGATCTCCCGGTCAGTTCGGGATGTGGCACAGACGTCCATCAGCCTGACCAGA[G>C]TAAATGCTCACTTTTCAATCCCCTTTAACCCAACATGGCCTCTCATTATTTCCTCAGGGT-3'

ClinVar aggregate classification (germline): Uncertain significance (1 of 4 stars; one submission).

Conditions:
Familial melanoma. Also called: Hereditary melanoma; Hereditary cutaneous melanoma. Identifiers: Orphanet 618, MedGen C1512419, MONDO:0018961.

Submission:

Labcorp Genetics (formerly Invitae), Labcorp
Classification: Uncertain significance for Familial melanoma. Last evaluated: 2023-11-24. Review status: criteria provided, single submitter. Criteria: Invitae Variant Classification Sherloc (09022015). Collection method: clinical testing. Allele origin: germline.
Comment: This sequence change falls in intron 2 of the CDK4 gene. It does not directly change the encoded amino acid sequence of the CDK4 protein. This variant is not present in population databases (gnomAD no frequency). This variant has not been reported in the literature in individuals affected with CDK4-related conditions. Algorithms developed to predict the effect of sequence changes on RNA splicing suggest that this variant may disrupt the consensus splice site. In summary, the available evidence is currently insufficient to determine the role of this variant in disease. Therefore, it has been classified as a Variant of Uncertain Significance.